The following is an entry in ClinVar:

NM_001371904.1(APOA5):c.504G>C (p.Glu168Asp)

Gene: APOA5 (apolipoprotein A5; minus strand). Cytogenetic location: 11q23.3.
Variant type: single nucleotide variant.
Coding change: c.504G>C on transcript NM_001371904.1 (MANE Select); coding-DNA position 504, G replaced by C.
Protein change: p.Glu168Asp; replaces glutamic acid 168 with aspartic acid.
Molecular consequence: missense variant.
Genome position (GRCh38, 1-based): chr11:116,790,725, C>G on the plus strand (G>C on the coding strand, the complement: APOA5 is on the minus strand). VCF-style: chr11-116790725-C-G. GRCh37 (hg19) VCF-style: chr11-116661441-C-G.
Other names: c.504G>C, p.Glu168Asp (NM_001166598.2, NM_052968.5); short protein forms E168D.
Identifiers: ClinVar variation 3615766 (VCV003615766.2).

ClinVar aggregate classification (germline): Uncertain significance (1 of 4 stars; one submission).

Submission:

Labcorp Genetics (formerly Invitae), Labcorp
Classification: Uncertain significance. Last evaluated: 2024-11-28. Review status: criteria provided, single submitter. Criteria: Invitae Variant Classification Sherloc (09022015). Collection method: clinical testing. Allele origin: germline.
Comment: This sequence change replaces glutamic acid, which is acidic and polar, with aspartic acid, which is acidic and polar, at codon 168 of the APOA5 protein (p.Glu168Asp). This variant is present in population databases (rs370837638, gnomAD 0.002%). This variant has not been reported in the literature in individuals affected with APOA5-related conditions. An algorithm developed to predict the effect of missense changes on protein structure and function (PolyPhen-2) suggests that this variant is likely to be disruptive. In summary, the available evidence is currently insufficient to determine the role of this variant in disease. Therefore, it has been classified as a Variant of Uncertain Significance.